The following is an entry in ClinVar:

ClinVar aggregate classification (germline): Pathogenic (1 of 4 stars; one submission).

Conditions:
Bardet-Biedl syndrome (BBS). Identifiers: Orphanet 110, MedGen C0752166, MONDO:0015229.

Submission:

Labcorp Genetics (formerly Invitae), Labcorp
Classification: Pathogenic for Bardet-Biedl syndrome. Last evaluated: 2017-08-12. Review status: criteria provided, single submitter. Criteria: Invitae Variant Classification Sherloc (09022015). Collection method: clinical testing. Allele origin: germline.
Comment: This variant is a gross deletion of the genomic region encompassing exons 3-17 of the BBS2 gene. The 5' boundary is likely confined to intron 2. The 3' end of this event is unknown as it extends through the termination codon beyond the assayed region for this gene and may encompass additional genes. While this deletion is not anticipated to result in nonsense mediated decay, it is expected to create a truncated protein product or disrupt mRNA translation. This variant has not been reported in the literature in individuals with BBS2-related disease. A nonsense mutation in the last exon (p.Arg703*), which is also not anticipated to result in nonsense mediate decay, has been determined to be pathogenic (PMID: 21344540). This suggests that deletion of this region of the BBS2 protein is causative of disease. For these reasons, this variant has been classified as Pathogenic.

NC_000016.9:g.(?_56518653)_(56545216_?)del

Gene: BBS2 (Bardet-Biedl syndrome 2; minus strand). Cytogenetic location: 16q12.2.
Variant type: Deletion.
Identifiers: ClinVar variation 462944 (VCV000462944.1).